The following is an entry in ClinVar:

ClinVar aggregate classification (germline): Conflicting classifications of pathogenicity. Review status: criteria provided, conflicting classifications (1 of 4 stars). 8 submissions from 7 submitters: Uncertain significance (5); Likely benign (2). 1 of the submissions does not count toward it. Last evaluated 2026-05-05.

Conditions:
Congenital myasthenic syndrome (CMS). Also called: Congenital Myasthenic Syndromes. Identifiers: Orphanet 590, MedGen C0751882, MeSH D020294, MONDO:0018940.
Congenital myasthenic syndrome 11. Also called: MYASTHENIC SYNDROME, CONGENITAL, Ie; Myasthenic syndrome, congenital, 11, associated with acetylcholine receptor deficiency. Identifiers: Orphanet 590, MedGen C4225367, MONDO:0014588, OMIM 616326.
Fetal akinesia deformation sequence 2. Identifiers: MedGen C4760576, MONDO:0100102, OMIM 618388.
RAPSN-related disorder. Also called: RAPSN-related condition; RAPSN-related disorders. Identifiers: MedGen CN239397.
Fetal akinesia deformation sequence 1 (FADS1). Also called: Pena-Shokeir syndrome type I; Fetal akinesia sequence. Identifiers: Orphanet 994, MedGen C1276035, MONDO:0100101, OMIM 208150, HP:0001989.

Allele frequency attached by ClinVar (database versions not stated): gnomAD exomes 0.00020 and 0.00025; ExAC 0.00026; 1000 Genomes Project 30x 0.00031; gnomAD 0.00062 and 0.00065; TOPMed 0.00076; ESP Exome Variant Server 0.00146.
gnomAD v4.1: 391 of 1,613,532 alleles (0.024%); highest among the groups gnomAD compares: African/African-American, 0.18%; no homozygotes.

Submissions (8):

PreventionGenetics, part of Exact Sciences
Classification: Likely benign for RAPSN-related condition. Last evaluated: 2026-05-05. Review status: criteria provided, single submitter. Criteria: ACMG Guidelines, 2015. Collection method: clinical testing. Allele origin: germline.
Comment: This variant is classified as likely benign based on ACMG/AMP sequence variant interpretation guidelines (Richards et al. 2015 PMID: 25741868, with internal and published modifications).

Labcorp Genetics (formerly Invitae), Labcorp
Classification: Likely benign for Congenital myasthenic syndrome 11; Fetal akinesia deformation sequence 1. Last evaluated: 2026-01-22. Review status: criteria provided, single submitter. Criteria: Invitae Variant Classification Sherloc (09022015). Collection method: clinical testing. Allele origin: germline.

Fulgent Genetics
Classification: Uncertain significance for Congenital myasthenic syndrome 11; Fetal akinesia deformation sequence 2. Last evaluated: 2022-02-10. Review status: criteria provided, single submitter. Criteria: ACMG Guidelines, 2015. Collection method: clinical testing. Allele origin: unknown.

Baylor Genetics
Classification: Uncertain significance for Fetal akinesia deformation sequence 1. Last evaluated: 2019-07-21. Review status: criteria provided, single submitter. Criteria: ACMG Guidelines, 2015. Collection method: clinical testing. Allele origin: unknown. Affected: yes.
Comment: This variant was determined to be of uncertain significance according to ACMG Guidelines, 2015 [PMID:25741868].

Illumina Laboratory Services, Illumina
Classification: Uncertain significance for Congenital myasthenic syndrome 11. Last evaluated: 2018-01-13. Review status: criteria provided, single submitter. Criteria: ICSL Variant Classification Criteria 13 December 2019. Collection method: clinical testing. Allele origin: germline.

Illumina Laboratory Services, Illumina
Classification: Uncertain significance for Fetal akinesia deformation sequence 1. Last evaluated: 2018-01-13. Review status: criteria provided, single submitter. Criteria: ICSL Variant Classification Criteria 13 December 2019. Collection method: clinical testing. Allele origin: germline.

Breakthrough Genomics
Classification: Uncertain significance. Review status: criteria provided, single submitter. Criteria: ACMG Guidelines, 2015. Collection method: not provided. Allele origin: germline. Inheritance: Autosomal recessive inheritance. Affected: yes.

Natera, Inc.
Classification: Likely benign for Congenital myasthenic syndrome. Last evaluated: 2020-04-14. Review status: no assertion criteria provided. Collection method: clinical testing. Allele origin: germline. Not counted in ClinVar's aggregate classification.

NM_005055.5(RAPSN):c.412G>A (p.Val138Ile)

Gene: RAPSN (receptor associated protein of the synapse; minus strand). Cytogenetic location: 11p11.2.
Variant type: single nucleotide variant.
Coding change: c.412G>A on transcript NM_005055.5 (MANE Select); coding-DNA position 412, G replaced by A.
Protein change: p.Val138Ile; replaces valine 138 with isoleucine.
Molecular consequence: missense variant.
Genome position (GRCh38, 1-based): chr11:47,447,931, C>T on the plus strand (G>A on the coding strand, the complement: RAPSN is on the minus strand). VCF-style: chr11-47447931-C-T. GRCh37 (hg19) VCF-style: chr11-47469483-C-T.
Other names: c.412G>A, p.Val138Ile (NM_032645.5); short protein forms V138I.
Identifiers: ClinVar variation 304980 (VCV000304980.20), dbSNP rs35810986, ClinGen allele CA5976748.
Genomic context (GRCh38, chr11:47,447,931, plus strand): 5'-CATCATTGTTGTGGGCATAGCGCAGGGCCTTCTCGAAGCTCTCCAGGGCCTTCTGGAAGA[C>T]GCTGAGGCCCAGGAAGGCATTGCCCATGCTCAGGCTGACCTGGCCTCCGAGCTGGGCACC-3'
Protein context (NP_005046.2, residues 128-148): SMGNAFLGLS[Val138Ile]FQKALESFEK